The following is an entry in ClinVar:

ClinVar aggregate classification (germline): Uncertain significance. Review status: criteria provided, multiple submitters, no conflicts (2 of 4 stars). 3 submissions from 3 submitters: Uncertain significance (3). Last evaluated 2024-12-24.

Conditions:
Vitamin D-dependent rickets, type 1A. Also called: VITAMIN D HYDROXYLATION-DEFICIENT RICKETS, TYPE 1A; PDDR IA; PSEUDOVITAMIN D-DEFICIENCY RICKETS, TYPE IA. Identifiers: MedGen CN283242, MONDO:0020723, OMIM 264700.
Inborn genetic diseases. Identifiers: MedGen C0950123, MeSH D030342.

Allele frequency attached by ClinVar (database versions not stated): TOPMed 0.00004; ExAC 0.00006; gnomAD 0.00001; gnomAD exomes 0.00002.
gnomAD v4.1: 29 of 1,551,452 alleles (0.0019%); highest among the groups gnomAD compares: Admixed American, 0.017%; no homozygotes.

Submissions (3):

Labcorp Genetics (formerly Invitae), Labcorp
Classification: Uncertain significance. Last evaluated: 2024-12-24. Review status: criteria provided, single submitter. Criteria: Invitae Variant Classification Sherloc (09022015). Collection method: clinical testing. Allele origin: germline.
Comment: This sequence change replaces arginine, which is basic and polar, with tryptophan, which is neutral and slightly polar, at codon 104 of the CYP27B1 protein (p.Arg104Trp). This variant is present in population databases (rs771215877, gnomAD 0.02%). This variant has not been reported in the literature in individuals affected with CYP27B1-related conditions. ClinVar contains an entry for this variant (Variation ID: 2180339). Invitae Evidence Modeling of protein sequence and biophysical properties (such as structural, functional, and spatial information, amino acid conservation, physicochemical variation, residue mobility, and thermodynamic stability) indicates that this missense variant is not expected to disrupt CYP27B1 protein function with a negative predictive value of 80%. In summary, the available evidence is currently insufficient to determine the role of this variant in disease. Therefore, it has been classified as a Variant of Uncertain Significance.

Fulgent Genetics
Classification: Uncertain significance for Vitamin D-dependent rickets, type 1A. Last evaluated: 2024-04-02. Review status: criteria provided, single submitter. Criteria: ACMG Guidelines, 2015. Collection method: clinical testing. Allele origin: germline.

Ambry Genetics
Classification: Uncertain significance for Inborn genetic diseases. Last evaluated: 2023-05-24. Review status: criteria provided, single submitter. Criteria: Ambry Variant Classification Scheme 2023. Collection method: clinical testing. Allele origin: germline.

NM_000785.4(CYP27B1):c.310C>T (p.Arg104Trp)

Gene: CYP27B1 (cytochrome P450 family 27 subfamily B member 1; minus strand). Cytogenetic location: 12q14.1.
Variant type: single nucleotide variant.
Coding change: c.310C>T on transcript NM_000785.4 (MANE Select); coding-DNA position 310, C replaced by T.
Protein change: p.Arg104Trp; replaces arginine 104 with tryptophan.
Molecular consequence: missense variant.
Genome position (GRCh38, 1-based): chr12:57,766,083, G>A on the plus strand (C>T on the coding strand, the complement: CYP27B1 is on the minus strand). VCF-style: chr12-57766083-G-A. GRCh37 (hg19) VCF-style: chr12-58159866-G-A.
Other names: c.310C>T (NM_000785.3); short protein forms R104W.
Identifiers: ClinVar variation 2180339 (VCV002180339.5), dbSNP rs771215877, ClinGen allele CA6658501.